The following is an entry in ClinVar:

ClinVar aggregate classification (germline): Pathogenic (1 of 4 stars; one submission).

Submission:

Labcorp Genetics (formerly Invitae), Labcorp
Classification: Pathogenic. Last evaluated: 2023-06-10. Review status: criteria provided, single submitter. Criteria: Invitae Variant Classification Sherloc (09022015). Collection method: clinical testing. Allele origin: germline.
Comment: For these reasons, this variant has been classified as Pathogenic. This premature translational stop signal has been observed in individual(s) with CAMTA1-related conditions (PMID: 32157189). In at least one individual the variant was observed to be de novo. This variant is not present in population databases (gnomAD no frequency). This sequence change creates a premature translational stop signal (p.Cys192*) in the CAMTA1 gene. It is expected to result in an absent or disrupted protein product. Loss-of-function variants in CAMTA1 are known to be pathogenic (PMID: 22693284).

Literature cited by the submitters: PubMed 32157189; PubMed 22693284.

NM_015215.4(CAMTA1):c.576C>A (p.Cys192Ter)

Gene: CAMTA1 (calmodulin binding transcription activator 1; plus strand). Cytogenetic location: 1p36.23.
Variant type: single nucleotide variant.
Coding change: c.576C>A on transcript NM_015215.4 (MANE Select); coding-DNA position 576, C replaced by A.
Protein change: p.Cys192Ter; replaces cysteine 192 with a stop codon.
Molecular consequence: nonsense.
Genome position (GRCh38, 1-based): chr1:7,640,465, C>A. VCF-style: chr1-7640465-C-A. GRCh37 (hg19) VCF-style: chr1-7700525-C-A.
Other names: c.576C>A, p.Cys192Ter (NM_001349610.2, NM_001410737.1, NM_001349609.2); c.486C>A, p.Cys162Ter (NM_001349612.2, NM_001349608.2); c.504C>A, p.Cys168Ter (NM_001410738.1); short protein forms C162*, C192*, C168*.
Identifiers: ClinVar variation 2981181 (VCV002981181.3), dbSNP rs757970256, ClinGen allele CA338112653.